The following is an entry in ClinVar:

NM_000138.5(FBN1):c.4257G>T (p.Gln1419His)

Genes: FBN1 (fibrillin 1; minus strand), LOC126862124 (CDK7 strongly-dependent group 2 enhancer GRCh37_chr15:48764566-48765765; plus strand). Cytogenetic location: 15q21.1.
Variant type: single nucleotide variant.
Coding change: c.4257G>T on transcript NM_000138.5 (MANE Select); coding-DNA position 4257, G replaced by T.
Protein change: p.Gln1419His; replaces glutamine 1419 with histidine.
Molecular consequence: missense variant.
Genome position (GRCh38, 1-based): chr15:48,472,630, C>A on the plus strand (G>T on the coding strand, the complement: FBN1 is on the minus strand). VCF-style: chr15-48472630-C-A. GRCh37 (hg19) VCF-style: chr15-48764827-C-A.
Other names: c.4257G>T, p.Gln1419His (NM_001406716.1); short protein forms Q1419H.
Identifiers: ClinVar variation 2773344 (VCV002773344.3), dbSNP rs2043386208, ClinGen allele CA392317911.

ClinVar aggregate classification (germline): Uncertain significance. Review status: criteria provided, multiple submitters, no conflicts (2 of 4 stars). 2 submissions from 2 submitters: Uncertain significance (2). Last evaluated 2024-03-06.

Conditions:
Marfan syndrome (MFS). Also called: FBN1-Related Marfan Syndrome; MARFAN SYNDROME, TYPE I; Marfan syndrome type 1; Marfan's syndrome; Marfan syndrome, classic. Identifiers: Orphanet 284963, Orphanet 558, MedGen C0024796, MONDO:0007947, OMIM 154700.
Familial thoracic aortic aneurysm and aortic dissection (TAAD). Also called: Thoracic aortic aneurysms and dissections. Identifiers: Orphanet 91387, MedGen C4707243, MONDO:0019625.

Submissions (2):

Color Diagnostics, LLC DBA Color Health
Classification: Uncertain significance for Familial thoracic aortic aneurysm and aortic dissection. Last evaluated: 2024-03-06. Review status: criteria provided, single submitter. Criteria: ACMG Guidelines, 2015. Collection method: clinical testing. Allele origin: germline.
Comment: This missense variant replaces glutamine with histidine at codon 1419 of the FBN1 protein. Computational prediction suggests that this variant may not impact protein structure and function (internally defined REVEL score threshold <= 0.5, PMID: 27666373). To our knowledge, functional studies have not been reported for this variant. This variant has not been reported in individuals affected with FBN1-related disorders in the literature. This variant has not been identified in the general population by the Genome Aggregation Database (gnomAD). The available evidence is insufficient to determine the role of this variant in disease conclusively. Therefore, this variant is classified as a Variant of Uncertain Significance.

All of Us Research Program, National Institutes of Health
Classification: Uncertain significance for Marfan syndrome. Last evaluated: 2023-04-03. Review status: criteria provided, single submitter. Criteria: ACMG Guidelines, 2015. Collection method: clinical testing. Allele origin: germline. Inheritance: Autosomal dominant inheritance. Observed: 1 variant allele, 1 heterozygote.
Comment: This missense variant replaces glutamine with histidine at codon 1419 of the FBN1 protein. Computational prediction suggests that this variant may not impact protein structure and function (internally defined REVEL score threshold <= 0.5, PMID: 27666373). To our knowledge, functional studies have not been reported for this variant. This variant has not been reported in individuals affected with cardiovascular disorders in the literature. This variant has not been identified in the general population by the Genome Aggregation Database (gnomAD). The available evidence is insufficient to determine the role of this variant in disease conclusively. Therefore, this variant is classified as a Variant of Uncertain Significance.

This study involves interpretation of variants in research participants for the purpose of population health screening. Participant phenotype was not available at the time of variant classification. Additional details can be found in publication PMID: 35346344, PMCID: PMC8962531